The following is an entry in ClinVar:

NM_001369.3(DNAH5):c.8526del (p.Trp2842fs)

Gene: DNAH5 (dynein axonemal heavy chain 5; minus strand). Cytogenetic location: 5p15.2.
Variant type: Deletion.
Coding change: c.8526del on transcript NM_001369.3 (MANE Select); coding-DNA position 8526, one base deleted (G; older notation c.8526delG).
Protein change: p.Trp2842fs; shifts the reading frame from tryptophan 2842.
Molecular consequence: frameshift variant.
Genome position (GRCh38, 1-based): chr5:13,788,837, C deleted on the plus strand (G on the coding strand, the reverse complement: DNAH5 is on the minus strand); the first of 2 consecutive C bases (chr5:13,788,837-13,788,838); deleting either gives the same sequence. VCF-style (leftmost placement, unchanged base first): chr5-13788836-AC-A. GRCh37 (hg19) VCF-style: chr5-13788945-AC-A.
Other names: short protein forms W2842fs.
Identifiers: ClinVar variation 4732457 (VCV004732457.1).
Genomic context (GRCh38, chr5:13,788,836, plus strand): 5'-CCAAGAGTTTTTTCTCTTCACCAAACTCCTCCTCTACCAAACTTACTAAAGCCTTATCAA[AC>A]CAGGTCACATCACTGGACACTGTGAAACGGTCAGCTATAACACGTTTACACTCATGCTTC-3'

ClinVar aggregate classification (germline): Pathogenic (1 of 4 stars; one submission).

Conditions:
Primary ciliary dyskinesia. Also called: Ciliary dyskinesia. Identifiers: Orphanet 244, MedGen C0008780, MONDO:0016575, HP:0012265.

Submission:

Labcorp Genetics (formerly Invitae), Labcorp
Classification: Pathogenic for Primary ciliary dyskinesia. Last evaluated: 2025-12-03. Review status: criteria provided, single submitter. Criteria: Invitae Variant Classification Sherloc (09022015). Collection method: clinical testing. Allele origin: germline.
Comment: This sequence change creates a premature translational stop signal (p.Trp2842Cysfs*6) in the DNAH5 gene. It is expected to result in an absent or disrupted protein product. Loss-of-function variants in DNAH5 are known to be pathogenic (PMID: 11788826, 16627867). This variant is not present in population databases (gnomAD no frequency). This variant has not been reported in the literature in individuals affected with DNAH5-related conditions. For these reasons, this variant has been classified as Pathogenic.

Literature cited by the submitters: PubMed 11788826; PubMed 16627867.